The following is an entry in ClinVar:

NM_057176.3(BSND):c.177+5G>C

Gene: BSND (barttin CLCNK type accessory subunit beta; plus strand). Cytogenetic location: 1p32.3.
Variant type: single nucleotide variant.
Coding change: c.177+5G>C on transcript NM_057176.3 (MANE Select); 5 bases into the intron after coding-DNA position 177, G replaced by C.
Molecular consequence: intron variant.
Genome position (GRCh38, 1-based): chr1:54,999,368, G>C. VCF-style: chr1-54999368-G-C. GRCh37 (hg19) VCF-style: chr1-55465041-G-C.
Identifiers: ClinVar variation 4848194 (VCV004848194.1).

ClinVar aggregate classification (germline): Uncertain significance (1 of 4 stars; one submission).

Submission:

Women's Health and Genetics/Laboratory Corporation of America, LabCorp
Classification: Uncertain significance. Last evaluated: 2026-02-20. Review status: criteria provided, single submitter. Criteria: LabCorp Variant Classification Summary - May 2015. Collection method: clinical testing. Allele origin: germline.
Comment: Variant summary: BSND c.177+5G>C alters a nucleotide located close to a canonical splice site and therefore could affect mRNA splicing, leading to a significantly altered protein sequence. Several computational tools predict a significant impact on normal splicing: Four predict the variant weakens a 5' donor site. However, these predictions have yet to be confirmed by functional studies. The variant was absent in 247858 control chromosomes (gnomAD). c.177+5G>C has been observed in one homozygous individual affected with Bartter Syndrome, Type 4a (Zaffanello_2006). These data indicate that the variant may be associated with disease. To our knowledge, no experimental evidence demonstrating an impact on protein function has been reported. The following publications have been ascertained in the context of this evaluation (PMID: 18843510, 16583241). No submitters have cited clinical-significance assessments for this variant to ClinVar. Based on the evidence outlined above, the variant was classified as VUS-possibly pathogenic.

Literature cited by the submitters: PubMed 18843510; PubMed 16583241.